The following is an entry in ClinVar:

ClinVar aggregate classification (germline): Uncertain significance (1 of 4 stars; one submission).

Conditions:
Hereditary spastic paraplegia 39 (SPG39). Also called: Spastic Paraplegia Type 39 (SPG39); SPASTIC PARAPLEGIA 39, AUTOSOMAL RECESSIVE. Identifiers: Orphanet 139480, MedGen C2677586, MONDO:0012787, OMIM 612020.

Submission:

Labcorp Genetics (formerly Invitae), Labcorp
Classification: Uncertain significance for Hereditary spastic paraplegia 39. Last evaluated: 2025-01-29. Review status: criteria provided, single submitter. Criteria: Invitae Variant Classification Sherloc (09022015). Collection method: clinical testing. Allele origin: germline.
Comment: This sequence change replaces threonine, which is neutral and polar, with arginine, which is basic and polar, at codon 670 of the PNPLA6 protein (p.Thr670Arg). This variant is not present in population databases (gnomAD no frequency). This variant has not been reported in the literature in individuals affected with PNPLA6-related conditions. Invitae Evidence Modeling of protein sequence and biophysical properties (such as structural, functional, and spatial information, amino acid conservation, physicochemical variation, residue mobility, and thermodynamic stability) indicates that this missense variant is expected to disrupt PNPLA6 protein function with a positive predictive value of 80%. In summary, the available evidence is currently insufficient to determine the role of this variant in disease. Therefore, it has been classified as a Variant of Uncertain Significance.

NM_001166114.2(PNPLA6):c.2126C>G (p.Thr709Arg)

Gene: PNPLA6 (patatin like domain 6, lysophospholipase; plus strand). Cytogenetic location: 19p13.2.
Variant type: single nucleotide variant.
Coding change: c.2126C>G on transcript NM_001166114.2 (MANE Select); coding-DNA position 2126, C replaced by G.
Protein change: p.Thr709Arg; replaces threonine 709 with arginine.
Molecular consequence: missense variant.
Genome position (GRCh38, 1-based): chr19:7,551,049, C>G. VCF-style: chr19-7551049-C-G. GRCh37 (hg19) VCF-style: chr19-7615935-C-G.
Other names: c.2153C>G, p.Thr718Arg (NM_001166111.2); c.1931C>G, p.Thr644Arg (NM_001166112.2); c.2009C>G, p.Thr670Arg (NM_001166113.1, NM_006702.5); short protein forms T670R, T709R, T644R, T718R.
Identifiers: ClinVar variation 3683515 (VCV003683515.2).